The following is an entry in ClinVar:

ClinVar aggregate classification (germline): Uncertain significance (1 of 4 stars; one submission).

Allele frequency attached by ClinVar (database versions not stated): gnomAD exomes 0.00001; TOPMed 0.00001.
gnomAD v4.1: 5 of 1,611,064 alleles (0.00031%); highest among the groups gnomAD compares: Non-Finnish European, 0.00034%; no homozygotes.

Submission:

Labcorp Genetics (formerly Invitae), Labcorp
Classification: Uncertain significance. Last evaluated: 2024-09-23. Review status: criteria provided, single submitter. Criteria: Invitae Variant Classification Sherloc (09022015). Collection method: clinical testing. Allele origin: germline.
Comment: This sequence change replaces glutamic acid, which is acidic and polar, with glycine, which is neutral and non-polar, at codon 91 of the TGFB1 protein (p.Glu91Gly). This variant is not present in population databases (gnomAD no frequency). This variant has not been reported in the literature in individuals affected with TGFB1-related conditions. ClinVar contains an entry for this variant (Variation ID: 2135032). Invitae Evidence Modeling of protein sequence and biophysical properties (such as structural, functional, and spatial information, amino acid conservation, physicochemical variation, residue mobility, and thermodynamic stability) indicates that this missense variant is not expected to disrupt TGFB1 protein function with a negative predictive value of 80%. In summary, the available evidence is currently insufficient to determine the role of this variant in disease. Therefore, it has been classified as a Variant of Uncertain Significance.

NM_000660.7(TGFB1):c.272A>G (p.Glu91Gly)

Genes: TGFB1 (transforming growth factor beta 1; minus strand), LOC130064510 (ATAC-STARR-seq lymphoblastoid silent region 10661; plus strand). Cytogenetic location: 19q13.2.
Variant type: single nucleotide variant.
Coding change: c.272A>G on transcript NM_000660.7 (MANE Select); coding-DNA position 272, A replaced by G.
Protein change: p.Glu91Gly; replaces glutamic acid 91 with glycine.
Molecular consequence: missense variant.
Genome position (GRCh38, 1-based): chr19:41,352,773, T>C on the plus strand (A>G on the coding strand, the complement: TGFB1 is on the minus strand). VCF-style: chr19-41352773-T-C. GRCh37 (hg19) VCF-style: chr19-41858678-T-C.
Other names: short protein forms E91G.
Identifiers: ClinVar variation 2135032 (VCV002135032.4), dbSNP rs1599898619, ClinGen allele CA406005168.